The following is an entry in ClinVar:

ClinVar aggregate classification (germline): Uncertain significance. Review status: criteria provided, multiple submitters, no conflicts (2 of 4 stars). 5 submissions from 5 submitters: Uncertain significance (4). 1 of the submissions does not count toward it. Last evaluated 2025-12-24.

Conditions:
Cardiovascular phenotype. Identifiers: MedGen CN230736.
Alstrom syndrome (ALMS). Identifiers: Orphanet 64, MedGen C0268425, MONDO:0008763, OMIM 203800.

Allele frequency attached by ClinVar (database versions not stated): ExAC 0.00001; gnomAD exomes 0.00003; TOPMed 0.00003.
gnomAD v4.1: 36 of 1,613,666 alleles (0.0022%); highest among the groups gnomAD compares: African/African-American, 0.024%; no homozygotes.

Submissions (5):

Labcorp Genetics (formerly Invitae), Labcorp
Classification: Uncertain significance for Alstrom syndrome. Last evaluated: 2025-12-24. Review status: criteria provided, single submitter. Criteria: Invitae Variant Classification Sherloc (09022015). Collection method: clinical testing. Allele origin: germline.
Comment: This sequence change replaces arginine, which is basic and polar, with histidine, which is basic and polar, at codon 4052 of the ALMS1 protein (p.Arg4052His). This variant is present in population databases (rs750598025, gnomAD 0.03%). This missense change has been observed in individual(s) with clinical features of focal and segmental glomerulosclerosis (PMID: 31308072). This variant is also known as p.Arg4050His. ClinVar contains an entry for this variant (Variation ID: 965931). Experimental studies and prediction algorithms are not available or were not evaluated, and the functional significance of this variant is currently unknown. In summary, the available evidence is currently insufficient to determine the role of this variant in disease. Therefore, it has been classified as a Variant of Uncertain Significance.

GeneDx
Classification: Uncertain significance. Last evaluated: 2024-10-24. Review status: criteria provided, single submitter. Criteria: GeneDx Variant Classification Process June 2021. Collection method: clinical testing. Allele origin: germline. Affected: yes.
Comment: Observed in a patient with focal segmental glomerulosclerosis in published literature (PMID: 31308072); In silico analysis indicates that this missense variant does not alter protein structure/function; This variant is associated with the following publications: (PMID: 31308072)

Ambry Genetics
Classification: Uncertain significance for Cardiovascular phenotype. Last evaluated: 2023-12-29. Review status: criteria provided, single submitter. Criteria: Ambry Variant Classification Scheme 2023. Collection method: clinical testing. Allele origin: germline.
Comment: The p.R4052H variant (also known as c.12155G>A), located in coding exon 20 of the ALMS1 gene, results from a G to A substitution at nucleotide position 12155. The arginine at codon 4052 is replaced by histidine, an amino acid with highly similar properties. This amino acid position is well conserved in available vertebrate species. In addition, this alteration is predicted to be deleterious by in silico analysis. Since supporting evidence is limited at this time, the clinical significance of this alteration remains unclear.

Fulgent Genetics
Classification: Uncertain significance for Alstrom syndrome. Last evaluated: 2022-04-30. Review status: criteria provided, single submitter. Criteria: ACMG Guidelines, 2015. Collection method: clinical testing. Allele origin: unknown.

Natera, Inc.
Classification: Uncertain significance for Alstrom syndrome. Last evaluated: 2021-08-31. Review status: no assertion criteria provided. Collection method: clinical testing. Allele origin: germline. Not counted in ClinVar's aggregate classification.

Literature cited by the submitters: PubMed 31308072 (cited by Labcorp Genetics (formerly Invitae), Labcorp and Ambry Genetics).

NM_001378454.1(ALMS1):c.12152G>A (p.Arg4051His)

Genes: ALMS1 (ALMS1 centrosome and basal body associated protein; plus strand), LOC126806252 (BRD4-independent group 4 enhancer GRCh37_chr2:73828496-73829695; plus strand). Cytogenetic location: 2p13.1.
Variant type: single nucleotide variant.
Coding change: c.12152G>A on transcript NM_001378454.1 (MANE Select); coding-DNA position 12152, G replaced by A.
Protein change: p.Arg4051His; replaces arginine 4051 with histidine.
Molecular consequence: missense variant.
Genome position (GRCh38, 1-based): chr2:73,602,222, G>A. VCF-style: chr2-73602222-G-A. GRCh37 (hg19) VCF-style: chr2-73829349-G-A.
Other names: c.12155G>A, p.Arg4052His (NM_015120.4); short protein forms R4052H, R4051H.
Identifiers: ClinVar variation 965931 (VCV000965931.17), dbSNP rs750598025, ClinGen allele CA1715467.